The following is an entry in ClinVar:

NM_003664.5(AP3B1):c.1814C>A (p.Pro605Gln)

Gene: AP3B1 (adaptor related protein complex 3 subunit beta 1; minus strand). Cytogenetic location: 5q14.1.
Variant type: single nucleotide variant.
Coding change: c.1814C>A on transcript NM_003664.5 (MANE Select); coding-DNA position 1814, C replaced by A.
Protein change: p.Pro605Gln; replaces proline 605 with glutamine.
Molecular consequence: missense variant.
Genome position (GRCh38, 1-based): chr5:78,129,144, G>T on the plus strand (C>A on the coding strand, the complement: AP3B1 is on the minus strand). VCF-style: chr5-78129144-G-T. GRCh37 (hg19) VCF-style: chr5-77424968-G-T.
Other names: c.1667C>A, p.Pro556Gln (NM_001271769.2); short protein forms P605Q, P556Q.
Identifiers: ClinVar variation 228440 (VCV000228440.4), dbSNP rs374289196, ClinGen allele CA3316963.
Genomic context (GRCh38, chr5:78,129,144, plus strand): 5'-AGATAACATATATTTTGGAGTTATATTCTGATAATACCTTTAAAAGGAGACTCAAGCAGT[G>T]GTGCAGGCTTTTGTGCTAGGAATATTTTTTTGGCATATTTACTTAAAGCTCCACTCTTTA-3'
Protein context (NP_003655.3, residues 595-615): KKIFLAQKPA[Pro605Gln]LLESPFKDRD

ClinVar aggregate classification (germline): Uncertain significance (1 of 4 stars; one submission).

Allele frequency attached by ClinVar (database versions not stated): ExAC 0.00001; gnomAD exomes below 0.00001; TOPMed 0.00002 and 0.00005; gnomAD 0.00001; ESP Exome Variant Server 0.00008.
gnomAD v4.1: 5 of 1,612,782 alleles (0.00031%); highest among the groups gnomAD compares: Non-Finnish European, 0.00042%; no homozygotes.

Submission:

Laboratory for Molecular Medicine, Mass General Brigham Personalized Medicine
Classification: Uncertain significance. Last evaluated: 2015-12-10. Review status: criteria provided, single submitter. Criteria: LMM Criteria. Collection method: clinical testing. Allele origin: germline. Observed: 2 variant alleles.
Comment: The p.Pro605Gln variant in AP3B1 has not been previously reported in individuals with pulmonary disease, but has been identified in 1/66116 European chromosomes by the Exome Aggregation Consortium (ExAC; dbSN P rs374289196). Computational prediction tools and conservation analysis suggest that the p.Pro605Gln variant may impact the protein, though this information is not predictive enough to determine pathogenicity. In summary, the clinical sign ificance of the p.Pro605Gln variant is uncertain.